The following is an entry in ClinVar:

ClinVar aggregate classification (germline): Pathogenic. Review status: criteria provided, multiple submitters, no conflicts (2 of 4 stars). 8 submissions from 8 submitters: Pathogenic (7). 1 of the submissions does not count toward it. Last evaluated 2025-01-29.

Conditions:
Hereditary cancer-predisposing syndrome. Also called: Neoplastic Syndromes, Hereditary; Tumor predisposition; Hereditary neoplastic syndrome; Hereditary Cancer Syndrome. Identifiers: Orphanet 140162, MedGen C0027672, MeSH D009386, MONDO:0015356.
Multiple endocrine neoplasia, type 2 (MEN2). Identifiers: Orphanet 653, MedGen C4048306, MONDO:0019003. Disease mechanism: gain of function.
Multiple endocrine neoplasia type 2A. Also called: MULTIPLE ENDOCRINE NEOPLASIA, TYPE IIA; PTC SYNDROME; SIPPLE SYNDROME; MEN 2A; MEN-2A syndrome; Pheochromocytoma and amyloid producing medullary thyroid carcinoma. Identifiers: Orphanet 247698, Orphanet 653, MedGen C0025268, MeSH D018813, MONDO:0008234, OMIM 171400.
Familial medullary thyroid carcinoma (MTC). Also called: Thyroid cancer, familial medullary; MTC, familial; Familial Medullary Thyroid Carcinoma (FMTC). Identifiers: Orphanet 653, Orphanet 99361, MedGen C1833921, MONDO:0007958, OMIM 155240.

Submissions (8):

Labcorp Genetics (formerly Invitae), Labcorp
Classification: Pathogenic for Multiple endocrine neoplasia, type 2. Last evaluated: 2025-01-29. Review status: criteria provided, single submitter. Criteria: Invitae Variant Classification Sherloc (09022015). Collection method: clinical testing. Allele origin: germline.
Comment: This sequence change replaces glycine, which is neutral and non-polar, with cysteine, which is neutral and slightly polar, at codon 533 of the RET protein (p.Gly533Cys). This variant is not present in population databases (gnomAD no frequency). This missense change has been observed in individual(s) with multiple endocrine neoplasia type 2A (MEN2A) (PMID: 14602786, 16649977, 18805915, 22676047, 23461807). It has also been observed to segregate with disease in related individuals. ClinVar contains an entry for this variant (Variation ID: 13950). An algorithm developed to predict the effect of missense changes on protein structure and function (PolyPhen-2) suggests that this variant is likely to be disruptive. Experimental studies have shown that this missense change affects RET function (PMID: 21834681). For these reasons, this variant has been classified as Pathogenic.

GeneDx
Classification: Pathogenic. Last evaluated: 2024-02-15. Review status: criteria provided, single submitter. Criteria: GeneDx Variant Classification Process June 2021. Collection method: clinical testing. Allele origin: germline. Affected: yes.
Comment: Published functional studies demonstrate a damaging effect: significantly increased cell viability and reduced rate of apoptosis compared to wild-type (PMID: 21834681); Not observed at significant frequency in large population cohorts (gnomAD); In silico analysis supports that this missense variant has a deleterious effect on protein structure/function; This variant is associated with the following publications: (PMID: 25624014, 23745650, 24616773, 26678667, 26839093, 24569963, 23461807, 16649977, 22676047, 18805915, 28951487, 17704047, 28137737, 30012587, 14633923, 30763276, 33340421, 14602786, 21834681)

Ambry Genetics
Classification: Pathogenic for Hereditary cancer-predisposing syndrome. Last evaluated: 2023-07-14. Review status: criteria provided, single submitter. Criteria: Ambry Variant Classification Scheme 2023. Collection method: clinical testing. Allele origin: germline.
Comment: The p.G533C pathogenic mutation (also known as c.1597G>T), located in coding exon 8 of the RET gene, results from a G to T substitution at nucleotide position 1597. The glycine at codon 533 is replaced by cysteine, an amino acid with highly dissimilar properties. This mutation was first identified in an extensive Brazilian kindred with multiple individuals affected with medullary thyroid cancer and c-cell hyperplasia (Da Silva AM et al. J. Clin. Endocrinol. Metab. 2003 Nov; 88(11):5438-43). In a follow-up study of this kindred, one individual out of 103 carriers was found to be affected with a pheochromocytoma in addition to medullary thyroid cancer, consistent with the phenotype of MEN2A (Oliveira MN et al. Thyroid. 2011 Sep; 21(9):975-85; Signorini PS et al. Clin. Endocrinol. (Oxf) 2014 Feb; 80(2):235-45). This mutation has also been identified in multiple individuals and families of Greek ancestry affected with medullary thyroid cancer and/or pheochromocytoma, including those with the MEN2A phenotype (Kaldrymides P et al. Clin. Endocrinol. (Oxf) 2006 May; 64(5):561-6; Bethanis S et al. Hormones (Athens);6:152-6); Peppa M et al. Eur. J. Endocrinol. 2008 Dec;159:767-71; Sarika HL et al. Clin. Endocrinol. (Oxf) 2012 Dec; 77(6):857-62; Castro MR et al. Thyroid 2013 Dec; 23(12):1547-52; Saltiki K et al. Endocr Connect. 2017 Nov;6:676-684). Furthermore, functional analysis of this mutation has demonstrated that this genetic alteration confers a malignant phenotype in that mutation expressing cells were able to induce metastasis in nude mice, increase cell viability, decrease the rate of apoptosis, and decrease expression of thyroid specific genes (Oliveira MN et al. Thyroid 2011 Sep; 21(9):975-85). This variant is considered to be rare based on population cohorts in the Genome Aggregation Database (gnomAD). This amino acid position is highly conserved in available vertebrate species. In addition, this alteration is predicted to be deleterious by in silico analysis. Based on the supporting evidence, this alteration is pathogenic for MEN2; however, the association of this alteration with Hirschsprung disease is unknown.

ARUP Laboratories, Molecular Genetics and Genomics, ARUP Laboratories
Classification: Pathogenic. Last evaluated: 2023-05-05. Review status: criteria provided, single submitter. Criteria: ARUP Molecular Germline Variant Investigation Process 2024. Collection method: clinical testing. Allele origin: germline.
Comment: The RET c.1597G>T; p.Gly533Cys variant (rs75873440) is described in multiple families with medullary thyroid cancer, pheochromocytoma and multiple endocrine neoplasia type 2A (Castro 2013, Da Silva 2003, Kaldrymides 2006, Peppa 2008, Signorini 2014, Wells 2015). Functional studies show this variant increases cell growth and decreased cell death (Oliveira 2011). The variant is reported as pathogenic by several sources in the ClinVar database (Variation ID: 13950) and is absent from the Genome Aggregation Database, indicating it is not a common polymorphism. The amino acid at this position is highly conserved and computational algorithms predict this variant is deleterious (REVEL: 0.97). Considering available information, this variant is classified as pathogenic. References: Castro MR et al. Multiple endocrine neoplasia type 2A due to an exon 8 (G533C) mutation in a large North American kindred. Thyroid. 2013 Dec;23(12):1547-52. PMID: 23461807. Da Silva AM et al. A novel germ-line point mutation in RET exon 8 (Gly(533)Cys) in a large kindred with familial medullary thyroid carcinoma. J Clin Endocrinol Metab. 2003 88(11):5438-43. PMID: 14602786. Kaldrymides P et al. A rare RET gene exon 8 mutation is found in two Greek kindreds with familial medullary thyroid carcinoma: implications for screening. Clin Endocrinol (Oxf). 2006 May;64(5):561-6. PMID: 16649977 Oliveira MN et al. The RET p.G533C mutation confers predisposition to multiple endocrine neoplasia type 2A in a Brazilian kindred and is able to induce a malignant phenotype in vitro and in vivo. Thyroid. 2011 21(9):975-85. PMID: 21834681. Peppa M et al. Multiple endocrine neoplasia type 2A in two families with the familial medullary thyroid carcinoma associated G533C mutation of the RET proto-oncogene. Eur J Endocrinol. 2008 Dec;159(6):767-71. PMID: 18805915. Signorini PS et al. A ten-year clinical update of a large RET p.Gly533Cys kindred with medullary thyroid carcinoma emphasizes the need for an individualized assessment of affected relatives. Clin Endocrinol (Oxf). 2014 80(2):235-45. PMID: 23745650. Wells SA Jr et al. Revised American Thyroid Association guidelines for the management of medullary thyroid carcinoma. Thyroid. 2015 Jun;25(6):567-610. PMID: 25810047.

Myriad Genetics, Inc.
Classification: Pathogenic for Multiple endocrine neoplasia type 2A. Last evaluated: 2023-01-12. Review status: criteria provided, single submitter. Criteria: Myriad Autosomal Dominant, Autosomal Recessive and X-Linked Classification Criteria (2023). Collection method: clinical testing. Allele origin: unknown.
Comment: This variant is considered pathogenic. This variant has been reported in multiple individuals with clinical features of gene-specific disease [PMID: 14602786, 16649977, 18805915, 23461807, 25810047]. Functional studies indicate this variant impacts protein function [PMID: 21834681].

Mayo Clinic Laboratories, Mayo Clinic
Classification: Pathogenic. Last evaluated: 2022-12-15. Review status: criteria provided, single submitter. Criteria: ACMG Guidelines, 2015. Collection method: clinical testing. Allele origin: germline. Observed: 5 variant alleles.
Comment: PP1_strong, PP3, PP4, PP5, PM2, PS4_moderate

Quest Diagnostics Nichols Institute San Juan Capistrano
Classification: Pathogenic. Last evaluated: 2022-04-13. Review status: criteria provided, single submitter. Criteria: Quest Diagnostics criteria. Collection method: clinical testing. Allele origin: unknown.
Comment: It has not been reported in large, multi-ethnic general populations. In the published literature, the variant has been reported in multiple individuals/families with MTC and/or pheochromocytoma including those with MEN2A (PMID: 14602786 (2003), 16649977 (2006), 17704047 (2007), 18805915 (2008), 21834681 (2011), 22676047 (2012), 23461807 (2013), 24616773 (2013), 24569963 (2014), 28951487 (2017), and 28137737 (2017)). The variant has been reported to segregate with disease and has been associated with widely variable clinical presentation and age of onset (PMIDs: 14602786 (2003), 22676047 (2012), and 23461807 (2013)). Functional studies indicate that the variant is associated with increased cell proliferation and viability, anchorage-independent growth, micronuclei formation, decreased apoptosis, and induction of liver metastases (PMID: 21834681 (2011)). Based on the available information, this variant is classified as pathogenic.

OMIM
Classification: Pathogenic for THYROID CARCINOMA, FAMILIAL MEDULLARY. Last evaluated: 1999-02-01. Review status: no assertion criteria provided. Collection method: literature only. Allele origin: germline. Not counted in ClinVar's aggregate classification.

Literature cited by the submitters: PubMed 14602786 (cited by 4 submitters); PubMed 16649977 (cited by 4 submitters); PubMed 18805915 (cited by 4 submitters); PubMed 22676047 (cited by 3 submitters); PubMed 23461807 (cited by 4 submitters); PubMed 21834681 (cited by 4 submitters); PubMed 17704047 (cited by Ambry Genetics and Quest Diagnostics Nichols Institute San Juan Capistrano); PubMed 23745650 (cited by Ambry Genetics and Quest Diagnostics Nichols Institute San Juan Capistrano); PubMed 24616773 (cited by Ambry Genetics and Quest Diagnostics Nichols Institute San Juan Capistrano); PubMed 28951487 (cited by Ambry Genetics and Quest Diagnostics Nichols Institute San Juan Capistrano); PubMed 25810047 (cited by Myriad Genetics, Inc.); PubMed 28137737 (cited by Quest Diagnostics Nichols Institute San Juan Capistrano); PubMed 24569963 (cited by Quest Diagnostics Nichols Institute San Juan Capistrano); PubMed 33084974 (cited by Quest Diagnostics Nichols Institute San Juan Capistrano); PubMed 10024437 (cited by OMIM).

NM_020975.6(RET):c.1597G>T (p.Gly533Cys)

Gene: RET (ret proto-oncogene; plus strand). Cytogenetic location: 10q11.21.
Variant type: single nucleotide variant.
Coding change: c.1597G>T on transcript NM_020975.6 (MANE Select); coding-DNA position 1597, G replaced by T.
Protein change: p.Gly533Cys; replaces glycine 533 with cysteine.
Molecular consequence: missense variant.
Genome position (GRCh38, 1-based): chr10:43,112,173, G>T. VCF-style: chr10-43112173-G-T. GRCh37 (hg19) VCF-style: chr10-43607621-G-T.
Other names: p.G533C:GGC>TGC; p.Gly533Cys; c.1468G>T, p.Gly490Cys (NM_001406768.1, NM_001406761.1, NM_001406762.1 and 1 more transcripts); c.1201G>T, p.Gly401Cys (NM_001406769.1, NM_001406772.1); c.1309G>T, p.Gly437Cys (NM_001406770.1, NM_001406766.1, NM_001406767.1); c.1159G>T, p.Gly387Cys (NM_001406771.1, NM_001406773.1); c.1072G>T, p.Gly358Cys (NM_001406774.1); c.871G>T, p.Gly291Cys (NM_001406775.1, NM_001406776.1, NM_001406777.1 and 1 more transcripts); and 7 more; short protein forms G533C, G279C, G203C, G234C, G191C, G387C, G401C, G437C.
Identifiers: ClinVar variation 13950 (VCV000013950.33), dbSNP rs75873440, ClinGen allele CA007675.